The following is an entry in ClinVar:

NM_001184880.2(PCDH19):c.805del (p.Thr269fs)

Gene: PCDH19 (protocadherin 19; minus strand). Cytogenetic location: Xq22.1.
Variant type: Deletion.
Coding change: c.805del on transcript NM_001184880.2 (MANE Select); coding-DNA position 805, one base deleted (A; older notation c.805delA).
Protein change: p.Thr269fs; shifts the reading frame from threonine 269.
Molecular consequence: frameshift variant.
Genome position (GRCh38, 1-based): chrX:100,407,793, T deleted on the plus strand (A on the coding strand, the reverse complement: PCDH19 is on the minus strand). VCF-style (leftmost placement, unchanged base first): chrX-100407792-GT-G. GRCh37 (hg19) VCF-style: chrX-99662790-GT-G.
Other names: c.805del, p.Thr269fs (NM_001105243.2, NM_020766.3); short protein forms T269fs.
Identifiers: ClinVar variation 206350 (VCV000206350.10), dbSNP rs796052827, ClinGen allele CA316400.

ClinVar aggregate classification (germline): Pathogenic. Review status: criteria provided, multiple submitters, no conflicts (2 of 4 stars). 2 submissions from 2 submitters: Pathogenic (2). Last evaluated 2020-06-17.

Conditions:
Developmental and epileptic encephalopathy, 9 (DEE9). Also called: EPILEPSY, FEMALE-RESTRICTED, WITH MENTAL RETARDATION; Early infantile epileptic encephalopathy 9; JUBERG-HELLMAN SYNDROME; PCDH19-Related X-Linked Female-Limited Epilepsy with Mental Retardation. Identifiers: Orphanet 101039, Orphanet 2076, MedGen C1848137, MONDO:0010246, OMIM 300088. Disease mechanism: loss of function.

Submissions (2):

Labcorp Genetics (formerly Invitae), Labcorp
Classification: Pathogenic for Developmental and epileptic encephalopathy, 9. Last evaluated: 2020-06-17. Review status: criteria provided, single submitter. Criteria: Invitae Variant Classification Sherloc (09022015). Collection method: clinical testing. Allele origin: germline.
Comment: This variant has been observed in individual(s) with clinical features of early infantile epileptic encephalopathy (PMID: 29377098). In at least one individual the variant was observed to be de novo. ClinVar contains an entry for this variant (Variation ID: 206350). For these reasons, this variant has been classified as Pathogenic. Loss-of-function variants in PCDH19 are known to be pathogenic (PMID: 21053371). This variant is not present in population databases (ExAC no frequency). This sequence change creates a premature translational stop signal (p.Thr269Profs*36) in the PCDH19 gene. It is expected to result in an absent or disrupted protein product.

GeneDx
Classification: Pathogenic. Last evaluated: 2014-07-23. Review status: criteria provided, single submitter. Criteria: GeneDx Variant Classification (06012015). Collection method: clinical testing. Allele origin: germline. Affected: yes.
Comment: This variant is denoted c.805delA: p.Thr269ProfsX36 (T269PfsX36) in exon 1 of the PCDH19 gene (NM_001105243.1). The surrounding sequence with the base that is deleted in braces is: GGGC{A}CCAA. The c.805delA mutation in the PCDH19 gene causes a frameshift starting with codon Threonine 269, changes this amino acid to a Proline residue and creates a premature Stop codon at position 36 of the new reading frame, denoted p.Thr269ProfsX36. This mutation is predicted to cause loss of normal protein function either through protein truncation or nonsense-mediated mRNA decay. Additionally, two other frameshift mutations in this exon (c.772_773delAT and c.730dupG) have been reported in association with PCDH19-related disorders. Although this mutation has not been previously reported to our knowledge, its presence is consistent with a diagnosis of a PCDH19 related disorder. The variant is found in INFANT-EPI panel(s).

Literature cited by the submitters: PubMed 29377098 (cited by Labcorp Genetics (formerly Invitae), Labcorp); PubMed 21053371 (cited by Labcorp Genetics (formerly Invitae), Labcorp).